The following is an entry in ClinVar:

NM_021813.4(BACH2):c.1006G>C (p.Ala336Pro)

Gene: BACH2 (BACH transcriptional regulator 2; minus strand). Cytogenetic location: 6q15.
Variant type: single nucleotide variant.
Coding change: c.1006G>C on transcript NM_021813.4 (MANE Select); coding-DNA position 1006, G replaced by C.
Protein change: p.Ala336Pro; replaces alanine 336 with proline.
Molecular consequence: missense variant.
Genome position (GRCh38, 1-based): chr6:89,951,100, C>G on the plus strand (G>C on the coding strand, the complement: BACH2 is on the minus strand). VCF-style: chr6-89951100-C-G. GRCh37 (hg19) VCF-style: chr6-90660819-C-G.
Other names: c.1006G>C, p.Ala336Pro (NM_001170794.2); short protein forms A336P.
Identifiers: ClinVar variation 1508560 (VCV001508560.8), dbSNP rs1333161110, ClinGen allele CA365071770.

ClinVar aggregate classification (germline): Uncertain significance (1 of 4 stars; one submission).

Allele frequency attached by ClinVar (database versions not stated): gnomAD exomes 0.00001.

Submission:

Labcorp Genetics (formerly Invitae), Labcorp
Classification: Uncertain significance. Last evaluated: 2021-08-02. Review status: criteria provided, single submitter. Criteria: Invitae Variant Classification Sherloc (09022015). Collection method: clinical testing. Allele origin: germline.
Comment: In summary, the available evidence is currently insufficient to determine the role of this variant in disease. Therefore, it has been classified as a Variant of Uncertain Significance. Algorithms developed to predict the effect of missense changes on protein structure and function output the following: SIFT: "Tolerated"; PolyPhen-2: "Benign"; Align-GVGD: "Class C0". The proline amino acid residue is found in multiple mammalian species, suggesting that this missense change does not adversely affect protein function. These predictions have not been confirmed by published functional studies and their clinical significance is uncertain. This variant has not been reported in the literature in individuals with BACH2-related conditions. This variant is not present in population databases (ExAC no frequency). This sequence change replaces alanine with proline at codon 336 of the BACH2 protein (p.Ala336Pro). The alanine residue is weakly conserved and there is a small physicochemical difference between alanine and proline.